The following is an entry in ClinVar:

NM_004700.4(KCNQ4):c.1466C>T (p.Thr489Ile)

Gene: KCNQ4 (potassium voltage-gated channel subfamily Q member 4; plus strand). Cytogenetic location: 1p34.2.
Variant type: single nucleotide variant.
Coding change: c.1466C>T on transcript NM_004700.4 (MANE Select); coding-DNA position 1466, C replaced by T.
Protein change: p.Thr489Ile; replaces threonine 489 with isoleucine.
Molecular consequence: missense variant.
Genome position (GRCh38, 1-based): chr1:40,831,257, C>T. VCF-style: chr1-40831257-C-T. GRCh37 (hg19) VCF-style: chr1-41296929-C-T.
Other names: c.1304C>T, p.Thr435Ile (NM_172163.3); short protein forms T435I, T489I.
Identifiers: ClinVar variation 2384613 (VCV002384613.3), dbSNP rs373652215, ClinGen allele CA21083293.

ClinVar aggregate classification (germline): Uncertain significance. Review status: criteria provided, multiple submitters, no conflicts (2 of 4 stars). 2 submissions from 2 submitters: Uncertain significance (2). Last evaluated 2025-03-06.

Conditions:
Inborn genetic diseases. Identifiers: MedGen C0950123, MeSH D030342.

Allele frequency attached by ClinVar (database versions not stated): TOPMed 0.00002; ESP Exome Variant Server 0.00008.
gnomAD v4.1: 5 of 1,608,272 alleles (0.00031%); highest among the groups gnomAD compares: South Asian, 0.0011%; no homozygotes.

Submissions (2):

Labcorp Genetics (formerly Invitae), Labcorp
Classification: Uncertain significance. Last evaluated: 2025-03-06. Review status: criteria provided, single submitter. Criteria: Invitae Variant Classification Sherloc (09022015). Collection method: clinical testing. Allele origin: germline.
Comment: This sequence change replaces threonine, which is neutral and polar, with isoleucine, which is neutral and non-polar, at codon 489 of the KCNQ4 protein (p.Thr489Ile). This variant is present in population databases (rs373652215, gnomAD 0.001%). This variant has not been reported in the literature in individuals affected with KCNQ4-related conditions. ClinVar contains an entry for this variant (Variation ID: 2384613). Invitae Evidence Modeling of protein sequence and biophysical properties (such as structural, functional, and spatial information, amino acid conservation, physicochemical variation, residue mobility, and thermodynamic stability) has been performed for this missense variant. However, the output from this modeling did not meet the statistical confidence thresholds required to predict the impact of this variant on KCNQ4 protein function. In summary, the available evidence is currently insufficient to determine the role of this variant in disease. Therefore, it has been classified as a Variant of Uncertain Significance.

Ambry Genetics
Classification: Uncertain significance for Inborn genetic diseases. Last evaluated: 2022-06-17. Review status: criteria provided, single submitter. Criteria: Ambry Variant Classification Scheme 2023. Collection method: clinical testing. Allele origin: germline.